The following is an entry in ClinVar:

ClinVar aggregate classification (germline): Uncertain significance (1 of 4 stars; one submission).

gnomAD v4.1: 17 of 1,614,100 alleles (0.0011%); highest among the groups gnomAD compares: Non-Finnish European, 0.0014%; no homozygotes.

Submission:

Labcorp Genetics (formerly Invitae), Labcorp
Classification: Uncertain significance. Last evaluated: 2025-08-30. Review status: criteria provided, single submitter. Criteria: Invitae Variant Classification Sherloc (09022015). Collection method: clinical testing. Allele origin: germline.
Comment: This sequence change replaces serine, which is neutral and polar, with tyrosine, which is neutral and polar, at codon 674 of the AFG3L2 protein (p.Ser674Tyr). This variant is present in population databases (no rsID available, gnomAD 0.07%). This variant has not been reported in the literature in individuals affected with AFG3L2-related conditions. Invitae Evidence Modeling of protein sequence and biophysical properties (such as structural, functional, and spatial information, amino acid conservation, physicochemical variation, residue mobility, and thermodynamic stability) has been performed for this missense variant. However, the output from this modeling did not meet the statistical confidence thresholds required to predict the impact of this variant on AFG3L2 protein function. In summary, the available evidence is currently insufficient to determine the role of this variant in disease. Therefore, it has been classified as a Variant of Uncertain Significance.

NM_006796.3(AFG3L2):c.2021C>A (p.Ser674Tyr)

Gene: AFG3L2 (AFG3 like matrix AAA peptidase subunit 2; minus strand). Cytogenetic location: 18p11.21.
Variant type: single nucleotide variant.
Coding change: c.2021C>A on transcript NM_006796.3 (MANE Select); coding-DNA position 2021, C replaced by A.
Protein change: p.Ser674Tyr; replaces serine 674 with tyrosine.
Molecular consequence: missense variant.
Genome position (GRCh38, 1-based): chr18:12,337,495, G>T on the plus strand (C>A on the coding strand, the complement: AFG3L2 is on the minus strand). VCF-style: chr18-12337495-G-T. GRCh37 (hg19) VCF-style: chr18-12337494-G-T.
Other names: short protein forms S674Y.
Identifiers: ClinVar variation 4702427 (VCV004702427.1).